The following is an entry in ClinVar:

NM_001854.4(COL11A1):c.35G>A (p.Arg12Gln)

Gene: COL11A1 (collagen type XI alpha 1 chain; minus strand). Cytogenetic location: 1p21.1.
Variant type: single nucleotide variant.
Coding change: c.35G>A on transcript NM_001854.4 (MANE Select); coding-DNA position 35, G replaced by A.
Protein change: p.Arg12Gln; replaces arginine 12 with glutamine.
Molecular consequence: missense variant. On other transcripts: non-coding transcript variant (1).
Genome position (GRCh38, 1-based): chr1:103,108,144, C>T on the plus strand (G>A on the coding strand, the complement: COL11A1 is on the minus strand). VCF-style: chr1-103108144-C-T. GRCh37 (hg19) VCF-style: chr1-103573700-C-T.
Other names: c.35G>A, p.Arg12Gln (NM_001190709.2, NM_080629.3, NM_080630.4); short protein forms R12Q.
Identifiers: ClinVar variation 1223237 (VCV001223237.13), dbSNP rs767496065, ClinGen allele CA975588.

ClinVar aggregate classification (germline): Conflicting classifications of pathogenicity. Review status: criteria provided, conflicting classifications (1 of 4 stars). 5 submissions from 5 submitters: Uncertain significance (2); Benign (1); Likely benign (2). Last evaluated 2026-01-06.

Conditions:
Inborn genetic diseases. Identifiers: MedGen C0950123, MeSH D030342.
COL11A1-related disorder. Also called: COL11A1-related disorders; COL11A1-related condition.

Allele frequency attached by ClinVar (database versions not stated): ExAC 0.00002; gnomAD 0.00003; TOPMed 0.00008.
gnomAD v4.1: 16 of 1,613,688 alleles (0.00099%); highest among the groups gnomAD compares: Admixed American, 0.018%; no homozygotes.

Submissions (5):

Labcorp Genetics (formerly Invitae), Labcorp
Classification: Benign. Last evaluated: 2026-01-06. Review status: criteria provided, single submitter. Criteria: Invitae Variant Classification Sherloc (09022015). Collection method: clinical testing. Allele origin: germline.

PreventionGenetics, part of Exact Sciences
Classification: Uncertain significance for COL11A1-related condition. Last evaluated: 2025-06-03. Review status: criteria provided, single submitter. Criteria: ACMG Guidelines, 2015. Collection method: clinical testing. Allele origin: germline.
Comment: The COL11A1 c.35G>A variant is predicted to result in the amino acid substitution p.Arg12Gln. To our knowledge, this variant has not been reported in the literature. This variant is reported in 0.012% of alleles in individuals of Latino descent in gnomAD. At this time, the clinical significance of this variant is uncertain due to the absence of conclusive functional and genetic evidence.

Ambry Genetics
Classification: Uncertain significance for Inborn genetic diseases. Last evaluated: 2023-02-17. Review status: criteria provided, single submitter. Criteria: Ambry Variant Classification Scheme 2023. Collection method: clinical testing. Allele origin: germline.

Blueprint Genetics
Classification: Likely benign. Last evaluated: 2022-11-03. Review status: criteria provided, single submitter. Criteria: ACMG Guidelines, 2015. Collection method: clinical testing. Allele origin: germline.

GeneDx
Classification: Likely benign. Last evaluated: 2020-07-24. Review status: criteria provided, single submitter. Criteria: GeneDx Variant Classification Process June 2021. Collection method: clinical testing. Allele origin: germline. Affected: yes.
Comment: In silico analysis supports that this missense variant does not alter protein structure/function; Has not been previously published as pathogenic or benign to our knowledge